The following is an entry in ClinVar:

ClinVar aggregate classification (germline): Uncertain significance (1 of 4 stars; one submission).

Allele frequency attached by ClinVar (database versions not stated): gnomAD exomes below 0.00001.
gnomAD v4.1: 2 of 1,586,622 alleles (0.00013%); highest among the groups gnomAD compares: South Asian, 0.0011%; no homozygotes.

Submission:

Labcorp Genetics (formerly Invitae), Labcorp
Classification: Uncertain significance. Last evaluated: 2021-08-23. Review status: criteria provided, single submitter. Criteria: Invitae Variant Classification Sherloc (09022015). Collection method: clinical testing. Allele origin: germline.
Comment: This variant has not been reported in the literature in individuals with SBF1-related conditions. Algorithms developed to predict the effect of missense changes on protein structure and function are either unavailable or do not agree on the potential impact of this missense change (SIFT: "Tolerated"; PolyPhen-2: "Probably Damaging"; Align-GVGD: "Class C0"). In summary, the available evidence is currently insufficient to determine the role of this variant in disease. Therefore, it has been classified as a Variant of Uncertain Significance. This sequence change replaces glutamic acid with lysine at codon 366 of the SBF1 protein (p.Glu366Lys). The glutamic acid residue is highly conserved and there is a small physicochemical difference between glutamic acid and lysine. This variant is not present in population databases (ExAC no frequency).

NM_002972.4(SBF1):c.1096G>A (p.Glu366Lys)

Gene: SBF1 (SET binding factor 1; minus strand). Cytogenetic location: 22q13.33.
Variant type: single nucleotide variant.
Coding change: c.1096G>A on transcript NM_002972.4 (MANE Select); coding-DNA position 1096, G replaced by A.
Protein change: p.Glu366Lys; replaces glutamic acid 366 with lysine.
Molecular consequence: missense variant.
Genome position (GRCh38, 1-based): chr22:50,465,322, C>T on the plus strand (G>A on the coding strand, the complement: SBF1 is on the minus strand). VCF-style: chr22-50465322-C-T. GRCh37 (hg19) VCF-style: chr22-50903751-C-T.
Other names: c.1099G>A, p.Glu367Lys (NM_001365819.1); short protein forms E366K, E367K.
Identifiers: ClinVar variation 1360640 (VCV001360640.8), dbSNP rs1312019546, ClinGen allele CA412219063.
Genomic context (GRCh38, chr22:50,465,322, plus strand): 5'-GGCACCAGCGATAGCCCTGCAGCAGCTGAGCGAACAGCCGCAGGAAGACCGCGCGCAGCT[C>T]CTTGTCCTGGGAGAAGAGCTGAGTGCAGGTGAGAGCCAGTCCTGCCAATCCCCACCCCAG-3'
Protein context (NP_002963.2, residues 356-376): STSSLKMQDK[Glu366Lys]LRAVFLRLFA